The following is an entry in ClinVar:

ClinVar aggregate classification (germline): Uncertain significance. Review status: criteria provided, multiple submitters, no conflicts (2 of 4 stars). 2 submissions from 2 submitters: Uncertain significance (2). Last evaluated 2025-09-17.

Conditions:
JAG1-related disorder. Also called: JAG1-related disorders; JAG1-related condition.
Alagille syndrome due to a JAG1 point mutation. Also called: Alagille Syndrome 1; HEPATIC DUCTULAR HYPOPLASIA, SYNDROMATIC; JAG1-Related Alagille Syndrome. Identifiers: Orphanet 261619, Orphanet 52, MedGen C1956125, MONDO:0016862, OMIM 118450.

gnomAD v4.1: 2 of 1,613,428 alleles (0.00012%); highest among the groups gnomAD compares: Non-Finnish European, 0.00017%; no homozygotes.

Submissions (2):

PreventionGenetics, part of Exact Sciences
Classification: Uncertain significance for JAG1-related condition. Last evaluated: 2025-09-17. Review status: criteria provided, single submitter. Criteria: ACMG Guidelines, 2015. Collection method: clinical testing. Allele origin: germline.
Comment: The JAG1 c.1155C>A variant is predicted to result in the amino acid substitution p.His385Gln. To our knowledge, this variant has not been reported in the literature or in a large population database (gnomAD), indicating this variant is rare. At this time, the clinical significance of this variant is uncertain due to the absence of conclusive functional and genetic evidence.

Labcorp Genetics (formerly Invitae), Labcorp
Classification: Uncertain significance for Alagille syndrome due to a JAG1 point mutation. Last evaluated: 2024-07-08. Review status: criteria provided, single submitter. Criteria: Invitae Variant Classification Sherloc (09022015). Collection method: clinical testing. Allele origin: germline.
Comment: This sequence change replaces histidine, which is basic and polar, with glutamine, which is neutral and polar, at codon 385 of the JAG1 protein (p.His385Gln). This variant is not present in population databases (gnomAD no frequency). This variant has not been reported in the literature in individuals affected with JAG1-related conditions. ClinVar contains an entry for this variant (Variation ID: 1382009). Advanced modeling of protein sequence and biophysical properties (such as structural, functional, and spatial information, amino acid conservation, physicochemical variation, residue mobility, and thermodynamic stability) performed at Invitae indicates that this missense variant is not expected to disrupt JAG1 protein function with a negative predictive value of 95%. Algorithms developed to predict the effect of sequence changes on RNA splicing suggest that this variant may disrupt the consensus splice site. In summary, the available evidence is currently insufficient to determine the role of this variant in disease. Therefore, it has been classified as a Variant of Uncertain Significance.

NM_000214.3(JAG1):c.1155C>A (p.His385Gln)

Gene: JAG1 (jagged canonical Notch ligand 1; minus strand). Cytogenetic location: 20p12.2.
Variant type: single nucleotide variant.
Coding change: c.1155C>A on transcript NM_000214.3 (MANE Select); coding-DNA position 1155, C replaced by A.
Protein change: p.His385Gln; replaces histidine 385 with glutamine.
Molecular consequence: missense variant.
Genome position (GRCh38, 1-based): chr20:10,650,326, G>T on the plus strand (C>A on the coding strand, the complement: JAG1 is on the minus strand). VCF-style: chr20-10650326-G-T. GRCh37 (hg19) VCF-style: chr20-10630974-G-T.
Other names: c.1155C>A (NM_000214.2); short protein forms H385Q.
Identifiers: ClinVar variation 1382009 (VCV001382009.9), dbSNP rs531019589, ClinGen allele CA408238537.